The following is an entry in ClinVar:

NM_006118.4(HAX1):c.239G>C (p.Gly80Ala)

Gene: HAX1 (HCLS1 associated protein X-1; plus strand). Cytogenetic location: 1q21.3.
Variant type: single nucleotide variant.
Coding change: c.239G>C on transcript NM_006118.4 (MANE Select); coding-DNA position 239, G replaced by C.
Protein change: p.Gly80Ala; replaces glycine 80 with alanine.
Molecular consequence: missense variant.
Genome position (GRCh38, 1-based): chr1:154,273,521, G>C. VCF-style: chr1-154273521-G-C. GRCh37 (hg19) VCF-style: chr1-154245997-G-C.
Other names: c.95G>C, p.Gly32Ala (NM_001018837.2); short protein forms G32A, G80A.
Identifiers: ClinVar variation 4033846 (VCV004033846.1).

ClinVar aggregate classification (germline): Uncertain significance (1 of 4 stars; one submission).

Conditions:
Inborn genetic diseases. Identifiers: MedGen C0950123, MeSH D030342.

gnomAD v4.1: 2 of 1,614,140 alleles (0.00012%); highest among the groups gnomAD compares: Non-Finnish European, 0.00017%; no homozygotes.

Submission:

Ambry Genetics
Classification: Uncertain significance for Inborn genetic diseases. Last evaluated: 2025-04-18. Review status: criteria provided, single submitter. Criteria: Ambry Variant Classification Scheme 2023. Collection method: clinical testing. Allele origin: germline.
Comment: The p.G80A variant (also known as c.239G>C), located in coding exon 2 of the HAX1 gene, results from a G to C substitution at nucleotide position 239. The glycine at codon 80 is replaced by alanine, an amino acid with similar properties. This amino acid position is conserved. In addition, this alteration is predicted to be tolerated by in silico analysis. Based on the available evidence, the clinical significance of this variant remains unclear.